The following is an entry in ClinVar:

NM_001162501.2(TNRC6B):c.449C>A (p.Thr150Asn)

Gene: TNRC6B (trinucleotide repeat containing adaptor 6B; plus strand). Cytogenetic location: 22q13.1.
Variant type: single nucleotide variant.
Coding change: c.449C>A on transcript NM_001162501.2 (MANE Select); coding-DNA position 449, C replaced by A.
Protein change: p.Thr150Asn; replaces threonine 150 with asparagine.
Molecular consequence: missense variant.
Genome position (GRCh38, 1-based): chr22:40,262,165, C>A. VCF-style: chr22-40262165-C-A. GRCh37 (hg19) VCF-style: chr22-40658169-C-A.
Other names: c.557C>A, p.Thr186Asn (NM_001024843.2); c.449C>A, p.Thr150Asn (NM_015088.3); short protein forms T150N, T186N.
Identifiers: ClinVar variation 2016719 (VCV002016719.4), dbSNP rs930678025, ClinGen allele CA324415980.

ClinVar aggregate classification (germline): Uncertain significance (1 of 4 stars; one submission).

gnomAD v4.1: 7 of 1,411,138 alleles (0.0005%); highest among the groups gnomAD compares: Admixed American, 0.0023%; no homozygotes.

Submission:

Labcorp Genetics (formerly Invitae), Labcorp
Classification: Uncertain significance. Last evaluated: 2023-02-02. Review status: criteria provided, single submitter. Criteria: Invitae Variant Classification Sherloc (09022015). Collection method: clinical testing. Allele origin: germline.
Comment: This sequence change replaces threonine, which is neutral and polar, with asparagine, which is neutral and polar, at codon 150 of the TNRC6B protein (p.Thr150Asn). The frequency data for this variant in the population databases is considered unreliable, as metrics indicate poor data quality at this position in the gnomAD database. This variant has not been reported in the literature in individuals affected with TNRC6B-related conditions. Algorithms developed to predict the effect of missense changes on protein structure and function are either unavailable or do not agree on the potential impact of this missense change (SIFT: "Deleterious"; PolyPhen-2: "Benign"; Align-GVGD: "Class C15"). In summary, the available evidence is currently insufficient to determine the role of this variant in disease. Therefore, it has been classified as a Variant of Uncertain Significance.